The following is an entry in ClinVar:

NM_001321967.2(ATAD1):c.175A>G (p.Met59Val)

Gene: ATAD1 (ATPase family AAA domain containing 1; minus strand). Cytogenetic location: 10q23.31.
Variant type: single nucleotide variant.
Coding change: c.175A>G on transcript NM_001321967.2 (MANE Select); coding-DNA position 175, A replaced by G.
Protein change: p.Met59Val; replaces methionine 59 with valine.
Molecular consequence: missense variant. On other transcripts: 5 prime UTR variant (1), non-coding transcript variant (1).
Genome position (GRCh38, 1-based): chr10:87,792,743, T>C on the plus strand (A>G on the coding strand, the complement: ATAD1 is on the minus strand). VCF-style: chr10-87792743-T-C. GRCh37 (hg19) VCF-style: chr10-89552500-T-C.
Other names: c.175A>G, p.Met59Val (NM_001321968.2, NM_032810.4); c.-273A>G (NM_001321969.2); short protein forms M59V.
Identifiers: ClinVar variation 1366063 (VCV001366063.8), dbSNP rs371862255, ClinGen allele CA377492470.
Genomic context (GRCh38, chr10:87,792,743, plus strand): 5'-GAGCAGCAATACTCATTTCATATTCTGAGAGCTTCACATTTTTCACTCCAATTTGCTTCA[T>C]TAGTTTTTCTGCCTAGAATGAAAAGAACAAACAACCTGCTTTGATTTGATATTTAGATAC-3'
Protein context (NP_001308896.1, residues 49-69): VEAQKQAEKL[Met59Val]KQIGVKNVKL

ClinVar aggregate classification (germline): Uncertain significance (1 of 4 stars; one submission).

Allele frequency attached by ClinVar (database versions not stated): gnomAD exomes below 0.00001.
gnomAD v4.1: 1 of 1,613,670 alleles (0.000062%); highest among the groups gnomAD compares: South Asian, 0.0011%; no homozygotes.

Submission:

Labcorp Genetics (formerly Invitae), Labcorp
Classification: Uncertain significance. Last evaluated: 2021-07-06. Review status: criteria provided, single submitter. Criteria: Invitae Variant Classification Sherloc (09022015). Collection method: clinical testing. Allele origin: germline.
Comment: This sequence change replaces methionine with valine at codon 59 of the ATAD1 protein (p.Met59Val). The methionine residue is moderately conserved and there is a small physicochemical difference between methionine and valine. This variant is not present in population databases (ExAC no frequency). This variant has not been reported in the literature in individuals affected with ATAD1-related conditions. Algorithms developed to predict the effect of missense changes on protein structure and function are either unavailable or do not agree on the potential impact of this missense change (SIFT: "Not Available"; PolyPhen-2: "Benign"; Align-GVGD: "Not Available"). In summary, the available evidence is currently insufficient to determine the role of this variant in disease. Therefore, it has been classified as a Variant of Uncertain Significance.